The following is an entry in ClinVar:

ClinVar aggregate classification (germline): Uncertain significance. Review status: criteria provided, multiple submitters, no conflicts (2 of 4 stars). 2 submissions from 2 submitters: Uncertain significance (2). Last evaluated 2025-07-20.

Conditions:
Cardiovascular phenotype. Identifiers: MedGen CN230736.

Allele frequency attached by ClinVar (database versions not stated): TOPMed below 0.00001; gnomAD 0.00001; gnomAD exomes 0.00001.
gnomAD v4.1: 15 of 1,613,682 alleles (0.00093%); highest among the groups gnomAD compares: Non-Finnish European, 0.0013%; no homozygotes.

Submissions (2):

Labcorp Genetics (formerly Invitae), Labcorp
Classification: Uncertain significance. Last evaluated: 2025-07-20. Review status: criteria provided, single submitter. Criteria: Invitae Variant Classification Sherloc (09022015). Collection method: clinical testing. Allele origin: germline.
Comment: This sequence change replaces lysine, which is basic and polar, with asparagine, which is neutral and polar, at codon 517 of the ALPK3 protein (p.Lys517Asn). This variant is present in population databases (no rsID available, gnomAD 0.007%). This variant has not been reported in the literature in individuals affected with ALPK3-related conditions. ClinVar contains an entry for this variant (Variation ID: 1434252). Invitae Evidence Modeling of protein sequence and biophysical properties (such as structural, functional, and spatial information, amino acid conservation, physicochemical variation, residue mobility, and thermodynamic stability) indicates that this missense variant is expected to disrupt ALPK3 protein function with a positive predictive value of 80%. In summary, the available evidence is currently insufficient to determine the role of this variant in disease. Therefore, it has been classified as a Variant of Uncertain Significance.

Ambry Genetics
Classification: Uncertain significance for Cardiovascular phenotype. Last evaluated: 2024-01-16. Review status: criteria provided, single submitter. Criteria: Ambry Variant Classification Scheme 2023. Collection method: clinical testing. Allele origin: germline.
Comment: The p.K517N variant (also known as c.1551G>C), located in coding exon 5 of the ALPK3 gene, results from a G to C substitution at nucleotide position 1551. The lysine at codon 517 is replaced by asparagine, an amino acid with similar properties. This amino acid position is well conserved in available vertebrate species. In addition, this alteration is predicted to be tolerated by in silico analysis. Since supporting evidence is limited at this time, the clinical significance of this alteration remains unclear.

NM_020778.5(ALPK3):c.945G>C (p.Lys315Asn)

Gene: ALPK3 (alpha kinase 3; plus strand). Cytogenetic location: 15q25.3.
Variant type: single nucleotide variant.
Coding change: c.945G>C on transcript NM_020778.5 (MANE Select); coding-DNA position 945, G replaced by C.
Protein change: p.Lys315Asn; replaces lysine 315 with asparagine.
Molecular consequence: missense variant.
Genome position (GRCh38, 1-based): chr15:84,840,224, G>C. VCF-style: chr15-84840224-G-C. GRCh37 (hg19) VCF-style: chr15-85383455-G-C.
Other names: short protein forms K315N.
Identifiers: ClinVar variation 1434252 (VCV001434252.10), dbSNP rs970840303, ClinGen allele CA273665749.